The following is an entry in ClinVar:

NM_018896.5(CACNA1G):c.3413A>G (p.Glu1138Gly)

Gene: CACNA1G (calcium voltage-gated channel subunit alpha1 G; plus strand). Cytogenetic location: 17q21.33.
Variant type: single nucleotide variant.
Coding change: c.3413A>G on transcript NM_018896.5 (MANE Select); coding-DNA position 3413, A replaced by G.
Protein change: p.Glu1138Gly; replaces glutamic acid 1138 with glycine.
Molecular consequence: missense variant. On other transcripts: non-coding transcript variant (5).
Genome position (GRCh38, 1-based): chr17:50,599,582, A>G. VCF-style: chr17-50599582-A-G. GRCh37 (hg19) VCF-style: chr17-48676943-A-G.
Other names: c.3413A>G, p.Glu1138Gly (NM_001256324.2, NM_001256325.2, NM_001256326.2 and 16 more transcripts); c.3344A>G, p.Glu1115Gly (NM_001256332.2, NM_198376.3, NM_198379.3 and 5 more transcripts); short protein forms E1115G, E1138G.
Identifiers: ClinVar variation 2443643 (VCV002443643.1), dbSNP rs2545423441, ClinGen allele CA400253187.
Genomic context (GRCh38, chr17:50,599,582, plus strand): 5'-GCCTGAAGCGGAGAAGCCCAAGTGGAGAGCGGCGGTCCCTGTTGTCGGGAGAAGGCCAGG[A>G]GAGCCAGGATGAAGAGGAGAGCTCAGAAGAGGAGCGGGCCAGCCCTGCGGGCAGTGACCA-3'
Protein context (NP_061496.2, residues 1128-1148): RRSLLSGEGQ[Glu1138Gly]SQDEEESSEE

ClinVar aggregate classification (germline): Uncertain significance (1 of 4 stars; one submission).

Submission:

GeneDx
Classification: Uncertain significance. Last evaluated: 2022-09-08. Review status: criteria provided, single submitter. Criteria: GeneDx Variant Classification Process June 2021. Collection method: clinical testing. Allele origin: germline. Affected: yes.
Comment: Not observed at significant frequency in large population cohorts (gnomAD); In silico analysis supports that this missense variant does not alter protein structure/function; Has not been previously published as pathogenic or benign to our knowledge